The following is an entry in ClinVar:

ClinVar aggregate classification (germline): Uncertain significance. Review status: criteria provided, multiple submitters, no conflicts (2 of 4 stars). 3 submissions from 3 submitters: Uncertain significance (3). Last evaluated 2024-12-16.

Conditions:
Inborn genetic diseases. Identifiers: MedGen C0950123, MeSH D030342.
Congenital stationary night blindness 1E. Also called: Night blindness, congenital stationary (complete), 1E, autosomal recessive. Identifiers: Orphanet 215, MedGen C3281215, MONDO:0013807, OMIM 614565.

Allele frequency attached by ClinVar (database versions not stated): gnomAD exomes 0.00001 and 0.00004; gnomAD 0.00002; TOPMed 0.00004; ExAC 0.00006; 1000 Genomes Project 30x 0.00016; 1000 Genomes Project 0.00020.
gnomAD v4.1: 25 of 1,611,832 alleles (0.0016%); highest among the groups gnomAD compares: East Asian, 0.013%; no homozygotes.

Submissions (3):

Labcorp Genetics (formerly Invitae), Labcorp
Classification: Uncertain significance. Last evaluated: 2024-12-16. Review status: criteria provided, single submitter. Criteria: Invitae Variant Classification Sherloc (09022015). Collection method: clinical testing. Allele origin: germline.
Comment: This sequence change replaces arginine, which is basic and polar, with tryptophan, which is neutral and slightly polar, at codon 869 of the GPR179 protein (p.Arg869Trp). This variant is present in population databases (rs576833922, gnomAD 0.04%). This variant has not been reported in the literature in individuals affected with GPR179-related conditions. ClinVar contains an entry for this variant (Variation ID: 1509976). An algorithm developed to predict the effect of missense changes on protein structure and function (PolyPhen-2) suggests that this variant is likely to be disruptive. In summary, the available evidence is currently insufficient to determine the role of this variant in disease. Therefore, it has been classified as a Variant of Uncertain Significance.

Ambry Genetics
Classification: Uncertain significance for Inborn genetic diseases. Last evaluated: 2024-02-21. Review status: criteria provided, single submitter. Criteria: Ambry Variant Classification Scheme 2023. Collection method: clinical testing. Allele origin: germline.

Blueprint Genetics
Classification: Uncertain significance. Last evaluated: 2022-09-05. Review status: criteria provided, single submitter. Criteria: ACMG Guidelines, 2015. Collection method: clinical testing. Allele origin: germline.

NM_001004334.4(GPR179):c.2605C>T (p.Arg869Trp)

Gene: GPR179 (G protein-coupled receptor 179; minus strand). Cytogenetic location: 17q12.
Variant type: single nucleotide variant.
Coding change: c.2605C>T on transcript NM_001004334.4 (MANE Select); coding-DNA position 2605, C replaced by T.
Protein change: p.Arg869Trp; replaces arginine 869 with tryptophan.
Molecular consequence: missense variant.
Genome position (GRCh38, 1-based): chr17:38,330,964, G>A on the plus strand (C>T on the coding strand, the complement: GPR179 is on the minus strand). VCF-style: chr17-38330964-G-A. GRCh37 (hg19) VCF-style: chr17-36486847-G-A.
Other names: c.2605C>T (NM_001004334.3, NM_001004334.2); short protein forms R869W.
Identifiers: ClinVar variation 1509976 (VCV001509976.12), dbSNP rs576833922, ClinGen allele CA290105695.